The following is an entry in ClinVar:

ClinVar aggregate classification (germline): Uncertain significance (1 of 4 stars; one submission).

gnomAD v4.1: 8 of 1,613,962 alleles (0.0005%); highest among the groups gnomAD compares: Non-Finnish European, 0.00068%; no homozygotes.

Submission:

GeneDx
Classification: Uncertain significance. Last evaluated: 2023-05-26. Review status: criteria provided, single submitter. Criteria: GeneDx Variant Classification Process June 2021. Collection method: clinical testing. Allele origin: germline. Affected: yes.
Comment: Not observed at significant frequency in large population cohorts (gnomAD); In silico analysis supports that this missense variant does not alter protein structure/function; Has not been previously published as pathogenic or benign to our knowledge

NM_016239.4(MYO15A):c.7028A>G (p.Lys2343Arg)

Gene: MYO15A (myosin XVA; plus strand). Cytogenetic location: 17p11.2.
Variant type: single nucleotide variant.
Coding change: c.7028A>G on transcript NM_016239.4 (MANE Select); coding-DNA position 7028, A replaced by G.
Protein change: p.Lys2343Arg; replaces lysine 2343 with arginine.
Molecular consequence: missense variant.
Genome position (GRCh38, 1-based): chr17:18,149,287, A>G. VCF-style: chr17-18149287-A-G. GRCh37 (hg19) VCF-style: chr17-18052601-A-G.
Other names: short protein forms K2343R.
Identifiers: ClinVar variation 3362013 (VCV003362013.1).